The following is an entry in ClinVar:

NM_002474.3(MYH11):c.4169T>C (p.Leu1390Pro)

Genes: MYH11 (myosin heavy chain 11; minus strand), NDE1 (nudE neurodevelopment protein 1; plus strand). Cytogenetic location: 16p13.11.
Variant type: single nucleotide variant.
Coding change: c.4169T>C on transcript NM_002474.3 (MANE Select); coding-DNA position 4169, T replaced by C.
Protein change: p.Leu1390Pro; replaces leucine 1390 with proline.
Molecular consequence: missense variant. On other transcripts: 3 prime UTR variant (2).
Genome position (GRCh38, 1-based): chr16:15,724,357, A>G on the plus strand (T>C on the coding strand, the complement: MYH11 is on the minus strand). VCF-style: chr16-15724357-A-G. GRCh37 (hg19) VCF-style: chr16-15818214-A-G.
Other names: c.4190T>C, p.Leu1397Pro (NM_001040113.2, NM_001040114.2); c.4169T>C, p.Leu1390Pro (NM_022844.3); c.*106A>G (NM_001143979.2, NM_017668.3); short protein forms L1390P, L1397P.
Identifiers: ClinVar variation 1332380 (VCV001332380.3), dbSNP rs2151218401, ClinGen allele CA394857442.
Genomic context (GRCh38, chr16:15,724,357, plus strand): 5'-TCCTCGTACTGCTGGGTGAGGTTCTCGATCTCCTTCTGGAACCTCTTCTTCCCCTCTTCC[A>G]GAGCTTCCACGGTGCTGGCAAAGTCCTGCAGCTTCTTCTTCGAGTCGGAGAGCTACAAGG-3'
Protein context (NP_002465.1, residues 1380-1400): LQDFASTVEA[Leu1390Pro]EEGKKRFQKE

ClinVar aggregate classification (germline): Uncertain significance (1 of 4 stars; one submission).

Conditions:
Familial thoracic aortic aneurysm and aortic dissection (TAAD). Also called: Thoracic aortic aneurysms and dissections. Identifiers: Orphanet 91387, MedGen C4707243, MONDO:0019625.

Submission:

Color Diagnostics, LLC DBA Color Health
Classification: Uncertain significance for Familial thoracic aortic aneurysm and aortic dissection. Last evaluated: 2024-03-06. Review status: criteria provided, single submitter. Criteria: ACMG Guidelines, 2015. Collection method: clinical testing. Allele origin: germline.
Comment: This missense variant replaces leucine with proline at codon 1397 of the MYH11 protein. Computational prediction suggests that this variant may have deleterious impact on protein structure and function (internally defined REVEL score threshold >= 0.7, PMID: 27666373). To our knowledge, functional studies have not been reported for this variant. This variant has not been reported in individuals affected with cardiovascular disorders in the literature. This variant has not been identified in the general population by the Genome Aggregation Database (gnomAD). The available evidence is insufficient to determine the role of this variant in disease conclusively. Therefore, this variant is classified as a Variant of Uncertain Significance.